The following is an entry in ClinVar:

ClinVar aggregate classification (germline): Benign/Likely benign. Review status: criteria provided, multiple submitters, no conflicts (2 of 4 stars). 3 submissions from 3 submitters: Benign (1); Likely benign (2). Last evaluated 2025-12-08.

Conditions:
Mitochondrial complex II deficiency, nuclear type 1. Also called: SUCCINATE CoQ REDUCTASE DEFICIENCY. Identifiers: Orphanet 3208, MedGen C5700310, MONDO:0100294, OMIM 252011.
Pheochromocytoma/paraganglioma syndrome 5. Also called: SDHA-Related Hereditary Paraganglioma-Pheochromocytoma Syndrome; Paragangliomas 5. Identifiers: Orphanet 29072, MedGen C3279992, MONDO:0013602, OMIM 614165.
Hereditary cancer-predisposing syndrome. Also called: Neoplastic Syndromes, Hereditary; Hereditary Cancer Syndrome; Tumor predisposition; Hereditary neoplastic syndrome. Identifiers: Orphanet 140162, MedGen C0027672, MeSH D009386, MONDO:0015356.

Allele frequency attached by ClinVar (database versions not stated): gnomAD below 0.00001 and 0.00001; TOPMed below 0.00001; gnomAD exomes 0.00001 and 0.00002; ExAC 0.00002.
gnomAD v4.1: 24 of 1,458,996 alleles (0.0016%); highest among the groups gnomAD compares: African/African-American, 0.0029%; no homozygotes.

Submissions (3):

Labcorp Genetics (formerly Invitae), Labcorp
Classification: Likely benign for Pheochromocytoma/paraganglioma syndrome 5; Mitochondrial complex II deficiency, nuclear type 1. Last evaluated: 2025-12-08. Review status: criteria provided, single submitter. Criteria: Invitae Variant Classification Sherloc (09022015). Collection method: clinical testing. Allele origin: germline.

Myriad Genetics, Inc.
Classification: Benign for Pheochromocytoma/paraganglioma syndrome 5. Last evaluated: 2025-02-27. Review status: criteria provided, single submitter. Criteria: Myriad Autosomal Dominant, Autosomal Recessive and X-Linked Classification Criteria (2023). Collection method: clinical testing. Allele origin: unknown.
Comment: This variant is considered benign. This variant is a silent/synonymous amino acid change and it is not expected to impact splicing.

Ambry Genetics
Classification: Likely benign for Hereditary cancer-predisposing syndrome. Last evaluated: 2020-03-28. Review status: criteria provided, single submitter. Criteria: Ambry Variant Classification Scheme 2023. Collection method: clinical testing. Allele origin: germline.

NM_004168.4(SDHA):c.12C>T (p.Val4=)

Gene: SDHA (succinate dehydrogenase complex flavoprotein subunit A; plus strand). Cytogenetic location: 5p15.33.
Variant type: single nucleotide variant.
Coding change: c.12C>T on transcript NM_004168.4 (MANE Select); coding-DNA position 12, C replaced by T.
Protein change: p.Val4=; no amino-acid change (valine 4 retained).
Molecular consequence: synonymous variant.
Genome position (GRCh38, 1-based): chr5:218,367, C>T. VCF-style: chr5-218367-C-T. GRCh37 (hg19) VCF-style: chr5-218482-C-T.
Other names: c.12C>T, p.Val4= (NM_001294332.2, NM_001330758.2).
Identifiers: ClinVar variation 417236 (VCV000417236.15), dbSNP rs749406988, ClinGen allele CA3172681.